The following is an entry in ClinVar:

NM_015046.7(SETX):c.2925G>A (p.Thr975=)

Gene: SETX (senataxin; minus strand). Cytogenetic location: 9q34.13.
Variant type: single nucleotide variant.
Coding change: c.2925G>A on transcript NM_015046.7 (MANE Select); coding-DNA position 2925, G replaced by A.
Protein change: p.Thr975=; no amino-acid change (threonine 975 retained).
Molecular consequence: synonymous variant.
Genome position (GRCh38, 1-based): chr9:132,328,673, C>T on the plus strand (G>A on the coding strand, the complement: SETX is on the minus strand). VCF-style: chr9-132328673-C-T. GRCh37 (hg19) VCF-style: chr9-135204060-C-T.
Other names: c.2925G>A, p.Thr975= (NM_001351527.2, NM_001351528.2).
Identifiers: ClinVar variation 4979399 (VCV004979399.1).

ClinVar aggregate classification (germline): Likely benign (1 of 4 stars; one submission).

Conditions:
SETX-related disorder. Also called: SETX-related condition; SETX-related disorders. Identifiers: MedGen CN239403.

gnomAD v4.1: 19 of 1,613,440 alleles (0.0012%); highest among the groups gnomAD compares: African/African-American, 0.013%; no homozygotes.

Submission:

PreventionGenetics, part of Exact Sciences
Classification: Likely benign for SETX-related condition. Last evaluated: 2025-05-29. Review status: criteria provided, single submitter. Criteria: ACMG Guidelines, 2015. Collection method: clinical testing. Allele origin: germline.
Comment: This variant is classified as likely benign based on ACMG/AMP sequence variant interpretation guidelines (Richards et al. 2015 PMID: 25741868, with internal and published modifications).